The following is an entry in ClinVar:

ClinVar aggregate classification (germline): Uncertain significance. Review status: criteria provided, multiple submitters, no conflicts (2 of 4 stars). 3 submissions from 3 submitters: Uncertain significance (2). 1 of the submissions does not count toward it. Last evaluated 2024-12-08.

Conditions:
Fanconi anemia (FA). Also called: Fanconi's anemia. Identifiers: Orphanet 84, MedGen C0015625, MeSH D005199, MONDO:0019391.
Inborn genetic diseases. Identifiers: MedGen C0950123, MeSH D030342.

Allele frequency attached by ClinVar (database versions not stated): gnomAD exomes 0.00001 and 0.00002; ExAC 0.00002.
gnomAD v4.1: 3 of 1,614,246 alleles (0.00019%); highest among the groups gnomAD compares: Admixed American, 0.005%; no homozygotes.

Submissions (3):

Ambry Genetics
Classification: Uncertain significance for Inborn genetic diseases. Last evaluated: 2024-12-08. Review status: criteria provided, single submitter. Criteria: Ambry Variant Classification Scheme 2023. Collection method: clinical testing. Allele origin: germline.
Comment: The p.T1060R variant (also known as c.3179C>G), located in coding exon 32 of the FANCA gene, results from a C to G substitution at nucleotide position 3179. The threonine at codon 1060 is replaced by arginine, an amino acid with similar properties. This amino acid position is conserved. In addition, this alteration is predicted to be tolerated by in silico analysis. Based on the available evidence, the clinical significance of this variant remains unclear.

Labcorp Genetics (formerly Invitae), Labcorp
Classification: Uncertain significance for Fanconi anemia. Last evaluated: 2021-08-26. Review status: criteria provided, single submitter. Criteria: Invitae Variant Classification Sherloc (09022015). Collection method: clinical testing. Allele origin: germline.
Comment: This sequence change replaces threonine with arginine at codon 1060 of the FANCA protein (p.Thr1060Arg). The threonine residue is weakly conserved and there is a moderate physicochemical difference between threonine and arginine. This variant is present in population databases (rs766358053, ExAC 0.02%). This variant has not been reported in the literature in individuals affected with FANCA-related conditions. Algorithms developed to predict the effect of missense changes on protein structure and function are either unavailable or do not agree on the potential impact of this missense change (SIFT: "Tolerated"; PolyPhen-2: "Possibly Damaging"; Align-GVGD: "Class C0"). In summary, the available evidence is currently insufficient to determine the role of this variant in disease. Therefore, it has been classified as a Variant of Uncertain Significance.

Natera, Inc.
Classification: Uncertain significance for Fanconi anemia. Last evaluated: 2021-09-22. Review status: no assertion criteria provided. Collection method: clinical testing. Allele origin: germline. Not counted in ClinVar's aggregate classification.

NM_000135.4(FANCA):c.3179C>G (p.Thr1060Arg)

Gene: FANCA (FA complementation group A; minus strand). Cytogenetic location: 16q24.3.
Variant type: single nucleotide variant.
Coding change: c.3179C>G on transcript NM_000135.4 (MANE Select); coding-DNA position 3179, C replaced by G.
Protein change: p.Thr1060Arg; replaces threonine 1060 with arginine.
Molecular consequence: missense variant.
Genome position (GRCh38, 1-based): chr16:89,749,790, G>C on the plus strand (C>G on the coding strand, the complement: FANCA is on the minus strand). VCF-style: chr16-89749790-G-C. GRCh37 (hg19) VCF-style: chr16-89816198-G-C.
Other names: c.3179C>G, p.Thr1060Arg (NM_001286167.3); short protein forms T1060R.
Identifiers: ClinVar variation 835138 (VCV000835138.12), dbSNP rs766358053, ClinGen allele CA8251310.